The following is an entry in ClinVar:

ClinVar aggregate classification (germline): Likely pathogenic (1 of 4 stars; one submission).

gnomAD v4.1: 3 of 1,574,506 alleles (0.00019%); highest among the groups gnomAD compares: Non-Finnish European, 0.00026%; no homozygotes.

Submission:

Labcorp Genetics (formerly Invitae), Labcorp
Classification: Likely pathogenic. Last evaluated: 2024-05-01. Review status: criteria provided, single submitter. Criteria: Invitae Variant Classification Sherloc (09022015). Collection method: clinical testing. Allele origin: germline.
Comment: This sequence change affects an acceptor splice site in intron 28 of the DMXL2 gene. It is expected to disrupt RNA splicing. Variants that disrupt the donor or acceptor splice site typically lead to a loss of protein function (PMID: 16199547), and loss-of-function variants in DMXL2 are known to be pathogenic (PMID: 30237576, 31688942). This variant is not present in population databases (gnomAD no frequency). This variant has not been reported in the literature in individuals affected with DMXL2-related conditions. Algorithms developed to predict the effect of sequence changes on RNA splicing suggest that this variant may disrupt the consensus splice site. In summary, the currently available evidence indicates that the variant is pathogenic, but additional data are needed to prove that conclusively. Therefore, this variant has been classified as Likely Pathogenic.

Literature cited by the submitters: PubMed 16199547; PubMed 30237576; PubMed 31688942.

NM_001378457.1(DMXL2):c.7214-1G>T

Gene: DMXL2 (Dmx like 2; minus strand). Cytogenetic location: 15q21.2.
Variant type: single nucleotide variant.
Coding change: c.7214-1G>T on transcript NM_001378457.1 (MANE Select); the canonical splice acceptor site of the intron before coding-DNA position 7214, G replaced by T.
Molecular consequence: splice acceptor variant.
Genome position (GRCh38, 1-based): chr15:51,471,402, C>A on the plus strand (G>T on the coding strand, the complement: DMXL2 is on the minus strand). VCF-style: chr15-51471402-C-A. GRCh37 (hg19) VCF-style: chr15-51763599-C-A.
Other names: c.5192-1G>T (NM_001378460.1); c.5303-1G>T (NM_001174117.3); c.7211-1G>T (NM_015263.5, NM_001378458.1, NM_001378462.1); c.7214-1G>T (NM_001378459.1, NM_001174116.3, NM_001378463.1 and 1 more transcripts); c.6971-1G>T (NM_001378464.1).
Identifiers: ClinVar variation 3676547 (VCV003676547.2).
Genomic context (GRCh38, chr15:51,471,402, plus strand): 5'-GCATTCTCATGTTAAATCTCCTACGGTGTTTATCTATGTCTTCAGAAAGGACAGGAGGTG[C>A]TAAATGAAGATAGAAGGAAAAAAAAATCTAGCATTCATTTTCCATTGTTAATTGATAGAG-3'